The following is an entry in ClinVar:

NM_001113491.2(SEPTIN9):c.493A>G (p.Met165Val)

Gene: SEPTIN9 (septin 9; plus strand). Cytogenetic location: 17q25.3.
Variant type: single nucleotide variant.
Coding change: c.493A>G on transcript NM_001113491.2 (MANE Select); coding-DNA position 493, A replaced by G.
Protein change: p.Met165Val; replaces methionine 165 with valine.
Molecular consequence: missense variant. On other transcripts: initiator codon variant (2).
Genome position (GRCh38, 1-based): chr17:77,402,475, A>G. VCF-style: chr17-77402475-A-G. GRCh37 (hg19) VCF-style: chr17-75398557-A-G.
Other names: c.1A>G, p.Met1Val (NM_001113492.2, NM_001113494.1); c.472A>G, p.Met158Val (NM_001113493.2); c.436A>G, p.Met146Val (NM_001293695.2); c.439A>G, p.Met147Val (NM_006640.5); c.439A>G (NM_006640.4); short protein forms M146V, M147V, M158V, M165V, M1V.
Identifiers: ClinVar variation 1682609 (VCV001682609.9), dbSNP rs2144100082, ClinGen allele CA401206276.

ClinVar aggregate classification (germline): Uncertain significance. Review status: criteria provided, multiple submitters, no conflicts (2 of 4 stars). 2 submissions from 2 submitters: Uncertain significance (2). Last evaluated 2026-01-05.

Conditions:
Inborn genetic diseases. Identifiers: MedGen C0950123, MeSH D030342.

Allele frequency attached by ClinVar (database versions not stated): gnomAD exomes below 0.00001.

Submissions (2):

Ambry Genetics
Classification: Uncertain significance for Inborn genetic diseases. Last evaluated: 2026-01-05. Review status: criteria provided, single submitter. Criteria: Ambry Variant Classification Scheme 2023. Collection method: clinical testing. Allele origin: germline.

Labcorp Genetics (formerly Invitae), Labcorp
Classification: Uncertain significance. Last evaluated: 2021-02-21. Review status: criteria provided, single submitter. Criteria: Invitae Variant Classification Sherloc (09022015). Collection method: clinical testing. Allele origin: germline.
Comment: This variant has not been reported in the literature in individuals with SEPT9-related conditions. This sequence change replaces methionine with valine at codon 147 of the SEPT9 protein (p.Met147Val). The methionine residue is weakly conserved and there is a small physicochemical difference between methionine and valine. This variant is not present in population databases (ExAC no frequency). Algorithms developed to predict the effect of missense changes on protein structure and function output the following: SIFT: "Tolerated"; PolyPhen-2: "Benign"; Align-GVGD: "Class C0". The valine amino acid residue is found in multiple mammalian species, suggesting that this missense change does not adversely affect protein function. These predictions have not been confirmed by published functional studies and their clinical significance is uncertain. In summary, the available evidence is currently insufficient to determine the role of this variant in disease. Therefore, it has been classified as a Variant of Uncertain Significance.